The following is an entry in ClinVar:

NM_000814.6(GABRB3):c.221T>G (p.Met74Arg)

Gene: GABRB3 (gamma-aminobutyric acid type A receptor subunit beta3; minus strand). Cytogenetic location: 15q12.
Variant type: single nucleotide variant.
Coding change: c.221T>G on transcript NM_000814.6 (MANE Select); coding-DNA position 221, T replaced by G.
Protein change: p.Met74Arg; replaces methionine 74 with arginine.
Molecular consequence: missense variant. On other transcripts: 5 prime UTR variant (1).
Genome position (GRCh38, 1-based): chr15:26,772,421, A>C on the plus strand (T>G on the coding strand, the complement: GABRB3 is on the minus strand). VCF-style: chr15-26772421-A-C. GRCh37 (hg19) VCF-style: chr15-27017568-A-C.
Other names: c.-131T>G (NM_001278631.2); c.221T>G, p.Met74Arg (NM_021912.5); short protein forms M74R.
Identifiers: ClinVar variation 4282390 (VCV004282390.1).
Genomic context (GRCh38, chr15:26,772,421, plus strand): 5'-GCCGGGGGCTCAGGGACCGCCCTGGGAGGGCGGGCACTCACCATGTTGACTTCGGAAACC[A>C]TGTCGATGCTGGCGATGTCGATGTTCATCCCCACGCAGACCGGGGGACCTGCGGGAAGCA-3'
Protein context (NP_000805.1, residues 64-84): GMNIDIASID[Met74Arg]VSEVNMDYTL

ClinVar aggregate classification (germline): Uncertain significance (1 of 4 stars; one submission).

Submission:

GeneDx
Classification: Uncertain significance. Last evaluated: 2025-04-15. Review status: criteria provided, single submitter. Criteria: GeneDx Variant Classification Process June 2021. Collection method: clinical testing. Allele origin: germline. Affected: yes.
Comment: Not observed at significant frequency in large population cohorts (gnomAD); In silico analysis indicates that this missense variant does not alter protein structure/function; Has not been previously published as pathogenic or benign to our knowledge